The following is an entry in ClinVar:

ClinVar aggregate classification (germline): Uncertain significance (0 of 4 stars; one submission).

Conditions:
SLX4-related disorder. Also called: SLX4-related condition.

gnomAD v4.1: 1 of 1,614,044 alleles (0.000062%); highest among the groups gnomAD compares: Admixed American, 0.0017%; no homozygotes.

Submission:

PreventionGenetics, part of Exact Sciences
Classification: Uncertain significance for SLX4-related condition. Last evaluated: 2024-03-30. Review status: no assertion criteria provided. Collection method: clinical testing. Allele origin: germline.
Comment: The SLX4 c.2427A>C variant is predicted to result in the amino acid substitution p.Glu809Asp. To our knowledge, this variant has not been reported in the literature or in a large population database, indicating this variant is rare. At this time, the clinical significance of this variant is uncertain due to the absence of conclusive functional and genetic evidence.

NM_032444.4(SLX4):c.2427A>C (p.Glu809Asp)

Gene: SLX4 (SLX4 structure-specific endonuclease subunit; minus strand). Cytogenetic location: 16p13.3.
Variant type: single nucleotide variant.
Coding change: c.2427A>C on transcript NM_032444.4 (MANE Select); coding-DNA position 2427, A replaced by C.
Protein change: p.Glu809Asp; replaces glutamic acid 809 with aspartic acid.
Molecular consequence: missense variant.
Genome position (GRCh38, 1-based): chr16:3,591,211, T>G on the plus strand (A>C on the coding strand, the complement: SLX4 is on the minus strand). VCF-style: chr16-3591211-T-G. GRCh37 (hg19) VCF-style: chr16-3641212-T-G.
Other names: short protein forms E809D.
Identifiers: ClinVar variation 3349812 (VCV003349812.1).